The following is an entry in ClinVar:

NM_013275.6(ANKRD11):c.5339C>T (p.Ala1780Val)

Gene: ANKRD11 (ankyrin repeat domain 11; minus strand). Cytogenetic location: 16q24.3.
Variant type: single nucleotide variant.
Coding change: c.5339C>T on transcript NM_013275.6 (MANE Select); coding-DNA position 5339, C replaced by T.
Protein change: p.Ala1780Val; replaces alanine 1780 with valine.
Molecular consequence: missense variant.
Genome position (GRCh38, 1-based): chr16:89,281,203, G>A on the plus strand (C>T on the coding strand, the complement: ANKRD11 is on the minus strand). VCF-style: chr16-89281203-G-A. GRCh37 (hg19) VCF-style: chr16-89347611-G-A.
Other names: c.5339C>T (NM_013275.4); c.5339C>T, p.Ala1780Val (NM_001256182.2, NM_001256183.2); short protein forms A1780V.
Identifiers: ClinVar variation 1704768 (VCV001704768.4), dbSNP rs866609551, ClinGen allele CA397154630.

ClinVar aggregate classification (germline): Conflicting classifications of pathogenicity. Review status: criteria provided, conflicting classifications (1 of 4 stars). 3 submissions from 3 submitters: Uncertain significance (2); Likely benign (1). Last evaluated 2026-08-13.

Conditions:
Inborn genetic diseases. Identifiers: MedGen C0950123, MeSH D030342.
KBG syndrome (KBGS). Also called: ANKRD11-Related KBG Syndrome. Identifiers: Orphanet 2332, MedGen C0220687, MONDO:0007846, OMIM 148050.

Allele frequency attached by ClinVar (database versions not stated): gnomAD 0.00001.
gnomAD v4.1: 15 of 1,614,090 alleles (0.00093%); highest among the groups gnomAD compares: Non-Finnish European, 0.0013%; no homozygotes.

Submissions (3):

Ambry Genetics
Classification: Likely benign for Inborn genetic diseases. Last evaluated: 2026-08-13. Review status: criteria provided, single submitter. Criteria: Ambry Variant Classification Scheme 2023. Collection method: clinical testing. Allele origin: germline.

Labcorp Genetics (formerly Invitae), Labcorp
Classification: Uncertain significance for KBG syndrome. Last evaluated: 2025-09-14. Review status: criteria provided, single submitter. Criteria: Invitae Variant Classification Sherloc (09022015). Collection method: clinical testing. Allele origin: germline.
Comment: This sequence change replaces alanine, which is neutral and non-polar, with valine, which is neutral and non-polar, at codon 1780 of the ANKRD11 protein (p.Ala1780Val). This variant is not present in population databases (gnomAD no frequency). This variant has not been reported in the literature in individuals affected with ANKRD11-related conditions. ClinVar contains an entry for this variant (Variation ID: 1704768). Invitae Evidence Modeling of protein sequence and biophysical properties (such as structural, functional, and spatial information, amino acid conservation, physicochemical variation, residue mobility, and thermodynamic stability) indicates that this missense variant is not expected to disrupt ANKRD11 protein function with a negative predictive value of 95%. In summary, the available evidence is currently insufficient to determine the role of this variant in disease. Therefore, it has been classified as a Variant of Uncertain Significance.

GeneDx
Classification: Uncertain significance. Last evaluated: 2022-03-11. Review status: criteria provided, single submitter. Criteria: GeneDx Variant Classification Process June 2021. Collection method: clinical testing. Allele origin: germline. Affected: yes.
Comment: Not observed at significant frequency in large population cohorts (gnomAD); In silico analysis supports that this missense variant does not alter protein structure/function; Has not been previously published as pathogenic or benign to our knowledge